The following is an entry in ClinVar:

ClinVar aggregate classification (germline): Uncertain significance (1 of 4 stars; one submission).

Conditions:
Hereditary cancer-predisposing syndrome. Also called: Neoplastic Syndromes, Hereditary; Tumor predisposition; Hereditary neoplastic syndrome; Hereditary Cancer Syndrome. Identifiers: Orphanet 140162, MedGen C0027672, MeSH D009386, MONDO:0015356.

Submission:

Ambry Genetics
Classification: Uncertain significance for Hereditary cancer-predisposing syndrome. Last evaluated: 2024-03-12. Review status: criteria provided, single submitter. Criteria: Ambry Variant Classification Scheme 2023. Collection method: clinical testing. Allele origin: germline.
Comment: The p.T362S variant (also known as c.1085C>G), located in coding exon 8 of the PTCH1 gene, results from a C to G substitution at nucleotide position 1085. The threonine at codon 362 is replaced by serine, an amino acid with similar properties. This amino acid position is conserved. In addition, this alteration is predicted to be deleterious by in silico analysis. Based on the available evidence, the clinical significance of this alteration remains unclear.

NM_000264.5(PTCH1):c.1085C>G (p.Thr362Ser)

Gene: PTCH1 (patched 1; minus strand). Cytogenetic location: 9q22.32.
Variant type: single nucleotide variant.
Coding change: c.1085C>G on transcript NM_000264.5 (MANE Select); coding-DNA position 1085, C replaced by G.
Protein change: p.Thr362Ser; replaces threonine 362 with serine.
Molecular consequence: missense variant. On other transcripts: non-coding transcript variant (1).
Genome position (GRCh38, 1-based): chr9:95,479,130, G>C on the plus strand (C>G on the coding strand, the complement: PTCH1 is on the minus strand). VCF-style: chr9-95479130-G-C. GRCh37 (hg19) VCF-style: chr9-98241412-G-C.
Other names: c.887C>G, p.Thr296Ser (NM_001083602.3); c.1082C>G, p.Thr361Ser (NM_001083603.3); c.632C>G, p.Thr211Ser (NM_001083604.3, NM_001083605.3, NM_001083606.3 and 1 more transcripts); c.1085C>G, p.Thr362Ser (NM_001354918.2); short protein forms T211S, T296S, T361S, T362S.
Identifiers: ClinVar variation 3230928 (VCV003230928.1), dbSNP rs2118367975, ClinGen allele CA374119506.